The following is an entry in ClinVar:

ClinVar aggregate classification (germline): Uncertain significance. Review status: criteria provided, multiple submitters, no conflicts (2 of 4 stars). 2 submissions from 2 submitters: Uncertain significance (2). Last evaluated 2025-02-18.

Conditions:
Duchenne muscular dystrophy (DMD). Also called: Duchenne Muscular Dystrophy (DMD); MUSCULAR DYSTROPHY, PSEUDOHYPERTROPHIC PROGRESSIVE, DUCHENNE TYPE. Identifiers: Orphanet 98896, MedGen C0013264, MONDO:0010679, OMIM 310200.

Submissions (2):

Labcorp Genetics (formerly Invitae), Labcorp
Classification: Uncertain significance for Duchenne muscular dystrophy. Last evaluated: 2025-02-18. Review status: criteria provided, single submitter. Criteria: Invitae Variant Classification Sherloc (09022015). Collection method: clinical testing. Allele origin: germline.
Comment: This sequence change replaces proline, which is neutral and non-polar, with arginine, which is basic and polar, at codon 292 of the DMD protein (p.Pro292Arg). This variant is not present in population databases (gnomAD no frequency). This variant has not been reported in the literature in individuals affected with DMD-related conditions. ClinVar contains an entry for this variant (Variation ID: 1684689). Invitae Evidence Modeling of protein sequence and biophysical properties (such as structural, functional, and spatial information, amino acid conservation, physicochemical variation, residue mobility, and thermodynamic stability) indicates that this missense variant is not expected to disrupt DMD protein function with a negative predictive value of 95%. In summary, the available evidence is currently insufficient to determine the role of this variant in disease. Therefore, it has been classified as a Variant of Uncertain Significance.

Mendelics
Classification: Uncertain significance. Last evaluated: 2022-05-04. Review status: criteria provided, single submitter. Criteria: Mendelics Assertion Criteria 2019. Collection method: clinical testing. Allele origin: germline.

NM_004006.3(DMD):c.875C>G (p.Pro292Arg)

Gene: DMD (dystrophin; minus strand). Cytogenetic location: Xp21.1.
Variant type: single nucleotide variant.
Coding change: c.875C>G on transcript NM_004006.3 (MANE Select); coding-DNA position 875, C replaced by G.
Protein change: p.Pro292Arg; replaces proline 292 with arginine.
Molecular consequence: missense variant.
Genome position (GRCh38, 1-based): chrX:32,697,955, G>C on the plus strand (C>G on the coding strand, the complement: DMD is on the minus strand). VCF-style: chrX-32697955-G-C. GRCh37 (hg19) VCF-style: chrX-32716072-G-C.
Other names: c.851C>G, p.Pro284Arg (NM_000109.4); c.863C>G, p.Pro288Arg (NM_004009.3); c.506C>G, p.Pro169Arg (NM_004010.3); short protein forms P169R, P284R, P288R, P292R.
Identifiers: ClinVar variation 1684689 (VCV001684689.2), dbSNP rs915965687, ClinGen allele CA328553679.